The following is an entry in ClinVar:

NM_001378454.1(ALMS1):c.3070G>C (p.Glu1024Gln)

Gene: ALMS1 (ALMS1 centrosome and basal body associated protein; plus strand). Cytogenetic location: 2p13.1.
Variant type: single nucleotide variant.
Coding change: c.3070G>C on transcript NM_001378454.1 (MANE Select); coding-DNA position 3070, G replaced by C.
Protein change: p.Glu1024Gln; replaces glutamic acid 1024 with glutamine.
Molecular consequence: missense variant.
Genome position (GRCh38, 1-based): chr2:73,449,597, G>C. VCF-style: chr2-73449597-G-C. GRCh37 (hg19) VCF-style: chr2-73676724-G-C.
Other names: c.3073G>C, p.Glu1025Gln (NM_015120.4); short protein forms E1025Q, E1024Q.
Identifiers: ClinVar variation 2626188 (VCV002626188.4), dbSNP rs2466096782, ClinGen allele CA347273679.

ClinVar aggregate classification (germline): Conflicting classifications of pathogenicity. Review status: criteria provided, conflicting classifications (1 of 4 stars). 2 submissions from 2 submitters: Uncertain significance (1); Likely benign (1). Last evaluated 2026-09-09.

Conditions:
Cardiovascular phenotype. Identifiers: MedGen CN230736.
ALMS1-related disorder. Also called: ALMS1-related condition.

Allele frequency attached by ClinVar (database versions not stated): gnomAD exomes 0.00001.
gnomAD v4.1: 13 of 1,614,052 alleles (0.00081%); highest among the groups gnomAD compares: Non-Finnish European, 0.0011%; no homozygotes.

Submissions (2):

PreventionGenetics, part of Exact Sciences
Classification: Uncertain significance for ALMS1-related condition. Last evaluated: 2026-09-09. Review status: criteria provided, single submitter. Criteria: ACMG Guidelines, 2015. Collection method: clinical testing. Allele origin: germline.
Comment: The ALMS1 c.3073G>C variant is predicted to result in the amino acid substitution p.Ala1025Pro. To our knowledge, this variant has not been reported in the literature. This variant is reported in 0.080% of alleles in individuals of Ashkenazi Jewish descent in gnomAD. Although we suspect that this variant may be benign, at this time, the clinical significance of this variant is uncertain due to the absence of conclusive functional and genetic evidence.

Ambry Genetics
Classification: Likely benign for Cardiovascular phenotype. Last evaluated: 2025-07-21. Review status: criteria provided, single submitter. Criteria: Ambry Variant Classification Scheme 2023. Collection method: clinical testing. Allele origin: germline.